The following is an entry in ClinVar:

NM_001557.4(CXCR2):c.512G>A (p.Gly171Asp)

Gene: CXCR2 (C-X-C motif chemokine receptor 2; plus strand). Cytogenetic location: 2q35.
Variant type: single nucleotide variant.
Coding change: c.512G>A on transcript NM_001557.4 (MANE Select); coding-DNA position 512, G replaced by A.
Protein change: p.Gly171Asp; replaces glycine 171 with aspartic acid.
Molecular consequence: missense variant.
Genome position (GRCh38, 1-based): chr2:218,135,313, G>A. VCF-style: chr2-218135313-G-A. GRCh37 (hg19) VCF-style: chr2-219000036-G-A.
Other names: c.512G>A, p.Gly171Asp (NM_001168298.2); short protein forms G171D.
Identifiers: ClinVar variation 2867145 (VCV002867145.3), dbSNP rs1690759254, ClinGen allele CA350530460.

ClinVar aggregate classification (germline): Uncertain significance (1 of 4 stars; one submission).

Allele frequency attached by ClinVar (database versions not stated): TOPMed below 0.00001; gnomAD 0.00001.
gnomAD v4.1: 1 of 1,614,050 alleles (0.000062%); highest among the groups gnomAD compares: Non-Finnish European, 0.000085%; no homozygotes.

Submission:

Labcorp Genetics (formerly Invitae), Labcorp
Classification: Uncertain significance. Last evaluated: 2023-05-22. Review status: criteria provided, single submitter. Criteria: Invitae Variant Classification Sherloc (09022015). Collection method: clinical testing. Allele origin: germline.
Comment: This variant has not been reported in the literature in individuals affected with CXCR2-related conditions. In summary, the available evidence is currently insufficient to determine the role of this variant in disease. Therefore, it has been classified as a Variant of Uncertain Significance. An algorithm developed to predict the effect of missense changes on protein structure and function (PolyPhen-2) suggests that this variant is likely to be tolerated. This variant is not present in population databases (gnomAD no frequency). This sequence change replaces glycine, which is neutral and non-polar, with aspartic acid, which is acidic and polar, at codon 171 of the CXCR2 protein (p.Gly171Asp).